The following is an entry in ClinVar:

ClinVar aggregate classification (germline): Likely benign. Review status: criteria provided, multiple submitters, no conflicts (2 of 4 stars). 6 submissions from 6 submitters: Likely benign (6). Last evaluated 2025-11-18.

Conditions:
Cardiovascular phenotype. Identifiers: MedGen CN230736.
Cardiomyopathy (CMYO). Also called: Cardiomyopathies. Identifiers: Orphanet 167848, MedGen C0878544, MONDO:0004994, HP:0001638. Inheritance: Various modes of inheritance.
Dilated cardiomyopathy 1G (CMD1G). Identifiers: Orphanet 154, MedGen C1858763, MONDO:0011400, OMIM 604145.
Autosomal recessive limb-girdle muscular dystrophy type 2J (LGMDR10). Also called: Limb-girdle muscular dystrophy, type 2J; MUSCULAR DYSTROPHY, LIMB-GIRDLE, AUTOSOMAL RECESSIVE 10. Identifiers: Orphanet 140922, MedGen C1837342, MONDO:0012127, OMIM 608807.
TTN-related disorder. Also called: TTN-related disorders; TTN-related condition; TTN-related disease.

Allele frequency attached by ClinVar (database versions not stated): TOPMed 0.00007; gnomAD 0.00009; 1000 Genomes Project 30x 0.00016; 1000 Genomes Project 0.00020; gnomAD exomes 0.00002 and 0.00006; ExAC 0.00007.
gnomAD v4.1: 45 of 1,614,118 alleles (0.0028%); highest among the groups gnomAD compares: African/African-American, 0.028%; 1 homozygote.

Submissions (6):

Labcorp Genetics (formerly Invitae), Labcorp
Classification: Likely benign for Dilated cardiomyopathy 1G; Autosomal recessive limb-girdle muscular dystrophy type 2J. Last evaluated: 2025-11-18. Review status: criteria provided, single submitter. Criteria: Invitae Variant Classification Sherloc (09022015). Collection method: clinical testing. Allele origin: germline.

PreventionGenetics, part of Exact Sciences
Classification: Likely benign for TTN-related condition. Last evaluated: 2025-06-27. Review status: criteria provided, single submitter. Criteria: ACMG Guidelines, 2015. Collection method: clinical testing. Allele origin: germline.
Comment: This variant is classified as likely benign based on ACMG/AMP sequence variant interpretation guidelines (Richards et al. 2015 PMID: 25741868, with internal and published modifications).

Blueprint Genetics
Classification: Likely benign. Last evaluated: 2024-05-23. Review status: criteria provided, single submitter. Criteria: ACMG Guidelines, 2015. Collection method: clinical testing. Allele origin: germline.

CHEO Genetics Diagnostic Laboratory, Children's Hospital of Eastern Ontario
Classification: Likely benign for Cardiomyopathy. Last evaluated: 2023-06-06. Review status: criteria provided, single submitter. Criteria: ACMG Guidelines, 2015. Collection method: clinical testing. Allele origin: germline.

Ambry Genetics
Classification: Likely benign for Cardiovascular phenotype. Last evaluated: 2022-08-01. Review status: criteria provided, single submitter. Criteria: Ambry Variant Classification Scheme 2023. Collection method: clinical testing. Allele origin: germline.

CeGaT Center for Human Genetics Tuebingen
Classification: Likely benign. Last evaluated: 2022-05-01. Review status: criteria provided, single submitter. Criteria: CeGaT Center For Human Genetics Tuebingen Variant Classification Criteria Version 2. Collection method: clinical testing. Allele origin: germline. Affected: yes. Observed: 1 variant allele.
Comment: TTN: BP4, BP7

NM_001267550.2(TTN):c.207C>T (p.Ala69=)

Gene: TTN (titin; minus strand). Cytogenetic location: 2q31.2.
Variant type: single nucleotide variant.
Coding change: c.207C>T on transcript NM_001267550.2 (MANE Select); coding-DNA position 207, C replaced by T.
Protein change: p.Ala69=; no amino-acid change (alanine 69 retained).
Molecular consequence: synonymous variant.
Genome position (GRCh38, 1-based): chr2:178,802,226, G>A on the plus strand (C>T on the coding strand, the complement: TTN is on the minus strand). VCF-style: chr2-178802226-G-A. GRCh37 (hg19) VCF-style: chr2-179666953-G-A.
Other names: c.207C>T, p.Ala69= (NM_001256850.1, NM_003319.4, NM_133378.4 and 3 more transcripts).
Identifiers: ClinVar variation 466884 (VCV000466884.41), dbSNP rs150548328, ClinGen allele CA2006392.
Genomic context (GRCh38, chr2:178,802,226, plus strand): 5'-CGCTTGTCCAGATCCATTGGTGGCTTTCAGGGAATATCGTCCACTGTTGGCTTTAGTCAC[G>A]GCGGGGATCGTCAGTTTAGCGCGGCCATCGCTAAAGGAGATCTGCACGCCGGGCAGAGTG-3'
Protein context (NP_001254479.2, residues 59-79): SDGRAKLTIP[Ala69=]VTKANSGRYS